The following is an entry in ClinVar:

ClinVar aggregate classification (germline): Uncertain significance (1 of 4 stars; one submission).

Conditions:
Ehlers-Danlos syndrome, classic type, 1 (EDSCL1). Also called: EHLERS-DANLOS SYNDROME, GRAVIS TYPE; EHLERS-DANLOS SYNDROME, SEVERE CLASSIC TYPE; Ehlers-Danlos syndrome, type 1; Ehlers-Danlos Syndrome, Classic Type, COL5A1-Related; EDS I. Identifiers: MedGen C0268335, MONDO:0019567, OMIM 130000.
Osteogenesis imperfecta type I (OI1). Also called: OI, TYPE I; OSTEOGENESIS IMPERFECTA TARDA; OSTEOGENESIS IMPERFECTA WITH BLUE SCLERAE; Osteogenesis imperfecta type 1; Lobstein's Disease; Lobstein disease. Identifiers: Orphanet 216796, Orphanet 666, MedGen C0023931, MONDO:0008146, OMIM 166200. Disease mechanism: loss of function.

Submission:

Labcorp Genetics (formerly Invitae), Labcorp
Classification: Uncertain significance for Osteogenesis imperfecta type I; Ehlers-Danlos syndrome, classic type, 1. Last evaluated: 2024-05-11. Review status: criteria provided, single submitter. Criteria: Invitae Variant Classification Sherloc (09022015). Collection method: clinical testing. Allele origin: germline.
Comment: This sequence change replaces lysine, which is basic and polar, with arginine, which is basic and polar, at codon 945 of the COL1A2 protein (p.Lys945Arg). This variant is not present in population databases (gnomAD no frequency). This variant has not been reported in the literature in individuals affected with COL1A2-related conditions. Experimental studies and prediction algorithms are not available or were not evaluated, and the functional significance of this variant is currently unknown. In summary, the available evidence is currently insufficient to determine the role of this variant in disease. Therefore, it has been classified as a Variant of Uncertain Significance.

NM_000089.4(COL1A2):c.2834A>G (p.Lys945Arg)

Gene: COL1A2 (collagen type I alpha 2 chain; plus strand). Cytogenetic location: 7q21.3.
Variant type: single nucleotide variant.
Coding change: c.2834A>G on transcript NM_000089.4 (MANE Select); coding-DNA position 2834, A replaced by G.
Protein change: p.Lys945Arg; replaces lysine 945 with arginine.
Molecular consequence: missense variant.
Genome position (GRCh38, 1-based): chr7:94,425,662, A>G. VCF-style: chr7-94425662-A-G. GRCh37 (hg19) VCF-style: chr7-94054974-A-G.
Other names: short protein forms K945R.
Identifiers: ClinVar variation 3748456 (VCV003748456.2).